The following is an entry in ClinVar:

NM_201384.3(PLEC):c.6101G>A (p.Arg2034Gln)

Gene: PLEC (plectin; minus strand). Cytogenetic location: 8q24.3.
Variant type: single nucleotide variant.
Coding change: c.6101G>A on transcript NM_201384.3 (MANE Select); coding-DNA position 6101, G replaced by A.
Protein change: p.Arg2034Gln; replaces arginine 2034 with glutamine.
Molecular consequence: missense variant.
Genome position (GRCh38, 1-based): chr8:143,923,828, C>T on the plus strand (G>A on the coding strand, the complement: PLEC is on the minus strand). VCF-style: chr8-143923828-C-T. GRCh37 (hg19) VCF-style: chr8-144997996-C-T.
Other names: c.6182G>A, p.Arg2061Gln (NM_000445.5); c.6059G>A, p.Arg2020Gln (NM_201378.4); c.6035G>A, p.Arg2012Gln (NM_201379.3); c.6512G>A, p.Arg2171Gln (NM_201380.4); c.6005G>A, p.Arg2002Gln (NM_201381.3); c.6101G>A, p.Arg2034Gln (NM_201382.4); c.6113G>A, p.Arg2038Gln (NM_201383.3); c.6182G>A (NM_000445.4); short protein forms R2002Q, R2020Q, R2038Q, R2171Q, R2012Q, R2034Q, R2061Q.
Identifiers: ClinVar variation 595742 (VCV000595742.13), dbSNP rs782125805, ClinGen allele CA4926105.

ClinVar aggregate classification (germline): Uncertain significance. Review status: criteria provided, multiple submitters, no conflicts (2 of 4 stars). 4 submissions from 4 submitters: Uncertain significance (4). Last evaluated 2026-04-21.

Conditions:
PLEC-related disorder. Also called: PLEC-related disorders; PLEC-related condition.
Epidermolysis bullosa simplex 5C, with pyloric atresia (EBS5C). Also called: PLEC-Related Epidermolysis Bullosa with Pyloric Atresia; PLEC1-Related Epidermolysis Bullosa with Pyloric Atresia; Epidermolysis bullosa simplex with pyloric atresia. Identifiers: Orphanet 158684, MedGen C2677349, MONDO:0012807, OMIM 612138.
Epidermolysis bullosa simplex, Ogna type (EBS5A). Also called: Pidermolysis bullosa simplex 5A, Ogna type; EPIDERMOLYSIS BULLOSA SIMPLEX 5A, OGNA TYPE. Identifiers: Orphanet 79401, MedGen C0432317, MONDO:0007555, OMIM 131950.
Epidermolysis bullosa simplex 5B, with muscular dystrophy (EBS5B). Also called: Epidermolysis bullosa simplex with muscular dystrophy; EPIDERMOLYSIS BULLOSA SIMPLEX AND LIMB-GIRDLE MUSCULAR DYSTROPHY. Identifiers: Orphanet 257, MedGen C2931072, MONDO:0009181, OMIM 226670.
Epidermolysis bullosa simplex with nail dystrophy (EBS5D). Identifiers: MedGen C4225309, MONDO:0014661, OMIM 616487.
Autosomal recessive limb-girdle muscular dystrophy type 2Q (LGMDR17). Also called: MUSCULAR DYSTROPHY, LIMB-GIRDLE, AUTOSOMAL RECESSIVE 17. Identifiers: Orphanet 254361, MedGen C3150989, MONDO:0013390, OMIM 613723.

Allele frequency attached by ClinVar (database versions not stated): gnomAD exomes 0.00002 and 0.00003; TOPMed 0.00003; ExAC 0.00004; gnomAD 0.00004.
gnomAD v4.1: 37 of 1,585,338 alleles (0.0023%); highest among the groups gnomAD compares: Middle Eastern, 0.017%; no homozygotes.

Submissions (4):

PreventionGenetics, part of Exact Sciences
Classification: Uncertain significance for PLEC-related condition. Last evaluated: 2026-04-21. Review status: criteria provided, single submitter. Criteria: ACMG Guidelines, 2015. Collection method: clinical testing. Allele origin: germline.
Comment: The PLEC c.6182G>A variant is predicted to result in the amino acid substitution p.Arg2061Gln. To our knowledge, this variant has not been reported in the literature. This variant is reported in 0.010% of alleles in individuals of African descent in gnomAD. At this time, the clinical significance of this variant is uncertain due to the absence of conclusive functional and genetic evidence.

Labcorp Genetics (formerly Invitae), Labcorp
Classification: Uncertain significance for Autosomal recessive limb-girdle muscular dystrophy type 2Q; Epidermolysis bullosa simplex, Ogna type; Epidermolysis bullosa simplex with nail dystrophy; Epidermolysis bullosa simplex 5C, with pyloric atresia; Epidermolysis bullosa simplex 5B, with muscular dystrophy. Last evaluated: 2025-10-12. Review status: criteria provided, single submitter. Criteria: Invitae Variant Classification Sherloc (09022015). Collection method: clinical testing. Allele origin: germline.
Comment: This sequence change replaces arginine, which is basic and polar, with glutamine, which is neutral and polar, at codon 2061 of the PLEC protein (p.Arg2061Gln). This variant is present in population databases (rs782125805, gnomAD 0.01%). This variant has not been reported in the literature in individuals affected with PLEC-related conditions. ClinVar contains an entry for this variant (Variation ID: 595742). An algorithm developed to predict the effect of missense changes on protein structure and function (PolyPhen-2) suggests that this variant is likely to be tolerated. In summary, the available evidence is currently insufficient to determine the role of this variant in disease. Therefore, it has been classified as a Variant of Uncertain Significance.

Revvity Omics, Revvity
Classification: Uncertain significance. Last evaluated: 2025-01-06. Review status: criteria provided, single submitter. Criteria: ACMG Guidelines, 2015. Collection method: clinical testing. Allele origin: germline.

Eurofins Ntd Llc (ga)
Classification: Uncertain significance. Last evaluated: 2018-01-12. Review status: criteria provided, single submitter. Criteria: EGL Classification Definitions 2015. Collection method: clinical testing. Allele origin: germline. Observed: 1 variant allele, 1 heterozygote.